The following is an entry in ClinVar:

NM_004360.5(CDH1):c.*3del (p.Ter883=)

Gene: CDH1 (cadherin 1; plus strand). Cytogenetic location: 16q22.1.
Variant type: Deletion.
Coding change: c.*3del on transcript NM_004360.5 (MANE Select); 3 bases downstream of the stop codon, one base deleted (G; older notation c.*3delG).
Protein change: p.Ter883=.
Molecular consequence: no sequence alteration.
Genome position (GRCh38, 1-based): chr16:68,833,502, G deleted; the last of 4 consecutive G bases (chr16:68,833,499-68,833,502); deleting any one gives the same sequence. VCF-style (leftmost placement, unchanged base first): chr16-68833498-AG-A. GRCh37 (hg19) VCF-style: chr16-68867401-AG-A.
Other names: c.*3del, p.Ter822= (NM_001317184.2); c.*3del, p.Ter367= (NM_001317185.2); c.*3del, p.Ter228= (NM_001317186.2).
Identifiers: ClinVar variation 2874464 (VCV002874464.3), dbSNP rs869090510, ClinGen allele CA283319803.

ClinVar aggregate classification (germline): Uncertain significance (1 of 4 stars; one submission).

Conditions:
Hereditary diffuse gastric adenocarcinoma (HDGC). Also called: DIFFUSE GASTRIC AND LOBULAR BREAST CANCER SYNDROME. Identifiers: Orphanet 26106, MedGen C1708349, MONDO:0007648, OMIM 137215.

Submission:

Labcorp Genetics (formerly Invitae), Labcorp
Classification: Uncertain significance for Hereditary diffuse gastric adenocarcinoma. Last evaluated: 2022-11-18. Review status: criteria provided, single submitter. Criteria: Invitae Variant Classification Sherloc (09022015). Collection method: clinical testing. Allele origin: germline.
Comment: Experimental studies and prediction algorithms are not available or were not evaluated, and the functional significance of this variant is currently unknown. In summary, the available evidence is currently insufficient to determine the role of this variant in disease. Therefore, it has been classified as a Variant of Uncertain Significance. This variant occurs in a non-coding region of the CDH1 gene. It does not change the encoded amino acid sequence of the CDH1 protein. This variant is not present in population databases (gnomAD no frequency). This variant has not been reported in the literature in individuals affected with CDH1-related conditions.